The following is an entry in ClinVar:

NM_001267550.2(TTN):c.69104dup (p.Thr23036fs)

Genes: TTN (titin; minus strand), TTN-AS1 (TTN antisense RNA 1; plus strand). Cytogenetic location: 2q31.2.
Variant type: Duplication.
Coding change: c.69104dup on transcript NM_001267550.2 (MANE Select); coding-DNA position 69104, one base duplicated (T; older notation c.69104dupT).
Protein change: p.Thr23036fs; shifts the reading frame from threonine 23036.
Molecular consequence: frameshift variant.
Genome position (GRCh38, 1-based): chr2:178,577,231, A duplicated on the plus strand (T on the coding strand, the reverse complement: TTN is on the minus strand). VCF-style (leftmost placement, unchanged base first): chr2-178577230-T-TA. GRCh37 (hg19) VCF-style: chr2-179441957-T-TA.
Other names: c.64181dup, p.Thr21395fs (NM_001256850.1); c.41909dup, p.Thr13971fs (NM_003319.4); c.61400dup, p.Thr20468fs (NM_133378.4); c.42284dup, p.Thr14096fs (NM_133432.3); c.42485dup, p.Thr14163fs (NM_133437.4); c.64181dupT (NM_001256850.1); short protein forms T13971fs, T14096fs, T14163fs, T20468fs, T21395fs, T23036fs.
Identifiers: ClinVar variation 626663 (VCV000626663.10), dbSNP rs1559469421, ClinGen allele CA913189529.

ClinVar aggregate classification (germline): Likely pathogenic. Review status: criteria provided, multiple submitters, no conflicts (2 of 4 stars). 3 submissions from 3 submitters: Likely pathogenic (3). Last evaluated 2021-11-18.

Conditions:
Cardiomyopathy (CMYO). Also called: Cardiomyopathies. Identifiers: Orphanet 167848, MedGen C0878544, MONDO:0004994, HP:0001638. Inheritance: Various modes of inheritance.
Autosomal recessive limb-girdle muscular dystrophy type 2J (LGMDR10). Also called: Limb-girdle muscular dystrophy, type 2J; MUSCULAR DYSTROPHY, LIMB-GIRDLE, AUTOSOMAL RECESSIVE 10. Identifiers: Orphanet 140922, MedGen C1837342, MONDO:0012127, OMIM 608807.
Dilated cardiomyopathy 1G (CMD1G). Identifiers: Orphanet 154, MedGen C1858763, MONDO:0011400, OMIM 604145.

Allele frequency attached by ClinVar (database versions not stated): gnomAD exomes below 0.00001.

Submissions (3):

Labcorp Genetics (formerly Invitae), Labcorp
Classification: Likely pathogenic for Dilated cardiomyopathy 1G; Autosomal recessive limb-girdle muscular dystrophy type 2J. Last evaluated: 2021-11-18. Review status: criteria provided, single submitter. Criteria: Invitae Variant Classification Sherloc (09022015). Collection method: clinical testing. Allele origin: germline.
Comment: In summary, the currently available evidence indicates that the variant is pathogenic, but additional data are needed to prove that conclusively. Therefore, this variant has been classified as Likely Pathogenic. This variant is located in the A band of TTN (PMID: 25589632). Truncating variants in this region are significantly overrepresented in patients affected with dilated cardiomyopathy (PMID: 25589632). Truncating variants in this region have also been reported in individuals affected with autosomal recessive centronuclear myopathy (PMID: 23975875). ClinVar contains an entry for this variant (Variation ID: 626663). This variant has not been reported in the literature in individuals affected with TTN-related conditions. This variant is not present in population databases (gnomAD no frequency). This sequence change creates a premature translational stop signal (p.Thr23036Asnfs*4) in the TTN gene. While this is not anticipated to result in nonsense mediated decay, it is expected to create a truncated TTN protein.

GeneDx
Classification: Likely pathogenic. Last evaluated: 2020-06-17. Review status: criteria provided, single submitter. Criteria: GeneDx Variant Classification Process June 2021. Collection method: clinical testing. Allele origin: germline. Affected: yes.
Comment: Frameshift variant predicted to result in protein truncation or nonsense mediated decay in a gene for which loss-of-function is a known mechanism of disease; Not observed in large population cohorts (Lek et al., 2016); Has not been previously published as pathogenic or benign to our knowledge

CHEO Genetics Diagnostic Laboratory, Children's Hospital of Eastern Ontario
Classification: Likely pathogenic for Cardiomyopathy. Last evaluated: 2015-11-20. Review status: criteria provided, single submitter. Criteria: ACMG Guidelines, 2015. Collection method: clinical testing. Allele origin: germline. Study: Canadian Open Genetics Repository.

Literature cited by the submitters: PubMed 25589632 (cited by Labcorp Genetics (formerly Invitae), Labcorp); PubMed 23975875 (cited by Labcorp Genetics (formerly Invitae), Labcorp).